The following is an entry in ClinVar:

NM_001042492.3(NF1):c.4562A>G (p.Tyr1521Cys)

Gene: NF1 (neurofibromin 1; plus strand). Cytogenetic location: 17q11.2.
Variant type: single nucleotide variant.
Coding change: c.4562A>G on transcript NM_001042492.3 (MANE Select); coding-DNA position 4562, A replaced by G.
Protein change: p.Tyr1521Cys; replaces tyrosine 1521 with cysteine.
Molecular consequence: missense variant.
Genome position (GRCh38, 1-based): chr17:31,260,500, A>G. VCF-style: chr17-31260500-A-G. GRCh37 (hg19) VCF-style: chr17-29587518-A-G.
Other names: c.4499A>G, p.Tyr1500Cys (NM_000267.4); short protein forms Y1500C, Y1521C.
Identifiers: ClinVar variation 937346 (VCV000937346.10), dbSNP rs2067665932, ClinGen allele CA398999896.

ClinVar aggregate classification (germline): Uncertain significance. Review status: criteria provided, multiple submitters, no conflicts (2 of 4 stars). 2 submissions from 2 submitters: Uncertain significance (2). Last evaluated 2025-08-15.

Conditions:
Neurofibromatosis, type 1 (NF1). Also called: Peripheral type neurofibromatosis; VON RECKLINGHAUSEN DISEASE; Neurofibromatosis, type I; NEUROFIBROMATOSIS, TYPE I, SOMATIC. Identifiers: Orphanet 636, MedGen C0027831, MONDO:0018975, OMIM 162200. Disease mechanism: loss of function.
Hereditary cancer-predisposing syndrome. Also called: Tumor predisposition; Hereditary neoplastic syndrome; Neoplastic Syndromes, Hereditary; Hereditary Cancer Syndrome. Identifiers: Orphanet 140162, MedGen C0027672, MeSH D009386, MONDO:0015356.
Cardiovascular phenotype. Identifiers: MedGen CN230736.

Allele frequency attached by ClinVar (database versions not stated): gnomAD exomes below 0.00001.
gnomAD v4.1: 1 of 1,613,984 alleles (0.000062%); highest among the groups gnomAD compares: Non-Finnish European, 0.000085%; no homozygotes.

Submissions (2):

Labcorp Genetics (formerly Invitae), Labcorp
Classification: Uncertain significance for Neurofibromatosis, type 1. Last evaluated: 2025-08-15. Review status: criteria provided, single submitter. Criteria: Invitae Variant Classification Sherloc (09022015). Collection method: clinical testing. Allele origin: germline.
Comment: This sequence change replaces tyrosine, which is neutral and polar, with cysteine, which is neutral and slightly polar, at codon 1500 of the NF1 protein (p.Tyr1500Cys). This variant is not present in population databases (gnomAD no frequency). This variant has not been reported in the literature in individuals affected with NF1-related conditions. ClinVar contains an entry for this variant (Variation ID: 937346). Invitae Evidence Modeling of protein sequence and biophysical properties (such as structural, functional, and spatial information, amino acid conservation, physicochemical variation, residue mobility, and thermodynamic stability) indicates that this missense variant is expected to disrupt NF1 protein function with a positive predictive value of 95%. In summary, the available evidence is currently insufficient to determine the role of this variant in disease. Therefore, it has been classified as a Variant of Uncertain Significance.

Ambry Genetics
Classification: Uncertain significance for Cardiovascular phenotype; Hereditary cancer-predisposing syndrome. Last evaluated: 2024-07-10. Review status: criteria provided, single submitter. Criteria: Ambry Variant Classification Scheme 2023. Collection method: clinical testing. Allele origin: germline.
Comment: The p.Y1500C variant (also known as c.4499A>G), located in coding exon 33 of the NF1 gene, results from an A to G substitution at nucleotide position 4499. The tyrosine at codon 1500 is replaced by cysteine, an amino acid with highly dissimilar properties. This amino acid position is highly conserved in available vertebrate species. In addition, this alteration is predicted to be deleterious by in silico analysis. Based on the available evidence, the clinical significance of this variant remains unclear.